The following is an entry in ClinVar:

ClinVar aggregate classification (germline): Uncertain significance. Review status: criteria provided, single submitter (1 of 4 stars). 2 submissions from 2 submitters: Uncertain significance (1). 1 of the submissions does not count toward it. Last evaluated 2020-11-18.

Conditions:
Retinitis pigmentosa 25 (RP25). Identifiers: Orphanet 791, MedGen C1864446, MONDO:0011272, OMIM 602772.

Allele frequency attached by ClinVar (database versions not stated): TOPMed below 0.00001.

Submissions (2):

Labcorp Genetics (formerly Invitae), Labcorp
Classification: Uncertain significance. Last evaluated: 2020-11-18. Review status: criteria provided, single submitter. Criteria: Invitae Variant Classification Sherloc (09022015). Collection method: clinical testing. Allele origin: germline.
Comment: In summary, the available evidence is currently insufficient to determine the role of this variant in disease. Therefore, it has been classified as a Variant of Uncertain Significance. Algorithms developed to predict the effect of missense changes on protein structure and function are either unavailable or do not agree on the potential impact of this missense change (SIFT: "Deleterious"; PolyPhen-2: "Possibly Damaging"; Align-GVGD: "Class C0"). This variant has not been reported in the literature in individuals with EYS-related conditions. This variant is not present in population databases (ExAC no frequency). This sequence change replaces serine with proline at codon 2744 of the EYS protein (p.Ser2744Pro). The serine residue is highly conserved and there is a moderate physicochemical difference between serine and proline.

Natera, Inc.
Classification: Uncertain significance for Retinitis pigmentosa type 25. Last evaluated: 2020-12-05. Review status: no assertion criteria provided. Collection method: clinical testing. Allele origin: germline. Not counted in ClinVar's aggregate classification.

NM_001142800.2(EYS):c.8230T>C (p.Ser2744Pro)

Gene: EYS (EGF-like photoreceptor maintenance factor; minus strand). Cytogenetic location: 6q12.
Variant type: single nucleotide variant.
Coding change: c.8230T>C on transcript NM_001142800.2 (MANE Select); coding-DNA position 8230, T replaced by C.
Protein change: p.Ser2744Pro; replaces serine 2744 with proline.
Molecular consequence: missense variant.
Genome position (GRCh38, 1-based): chr6:63,726,522, A>G on the plus strand (T>C on the coding strand, the complement: EYS is on the minus strand). VCF-style: chr6-63726522-A-G. GRCh37 (hg19) VCF-style: chr6-64436415-A-G.
Other names: c.8293T>C, p.Ser2765Pro (NM_001292009.2); short protein forms S2744P, S2765P.
Identifiers: ClinVar variation 1038035 (VCV001038035.9), dbSNP rs1768622052, ClinGen allele CA364385672.